The following is an entry in ClinVar:

ClinVar aggregate classification (germline): Uncertain significance. Review status: criteria provided, multiple submitters, no conflicts (2 of 4 stars). 2 submissions from 2 submitters: Uncertain significance (2). Last evaluated 2023-12-24.

Conditions:
Neurofibromatosis, type 1 (NF1). Also called: Peripheral type neurofibromatosis; Neurofibromatosis, type I; VON RECKLINGHAUSEN DISEASE; NEUROFIBROMATOSIS, TYPE I, SOMATIC. Identifiers: Orphanet 636, MedGen C0027831, MONDO:0018975, OMIM 162200. Disease mechanism: loss of function.
Cardiovascular phenotype. Identifiers: MedGen CN230736.
Hereditary cancer-predisposing syndrome. Also called: Hereditary Cancer Syndrome; Hereditary neoplastic syndrome; Neoplastic Syndromes, Hereditary; Tumor predisposition. Identifiers: Orphanet 140162, MedGen C0027672, MeSH D009386, MONDO:0015356.

Submissions (2):

Ambry Genetics
Classification: Uncertain significance for Cardiovascular phenotype; Hereditary cancer-predisposing syndrome. Last evaluated: 2023-12-24. Review status: criteria provided, single submitter. Criteria: Ambry Variant Classification Scheme 2023. Collection method: clinical testing. Allele origin: germline.
Comment: The p.D1269N variant (also known as c.3805G>A), located in coding exon 28 of the NF1 gene, results from a G to A substitution at nucleotide position 3805. The aspartic acid at codon 1269 is replaced by asparagine, an amino acid with highly similar properties. This amino acid position is conserved. In addition, the in silico prediction for this alteration is inconclusive. Since supporting evidence is limited at this time, the clinical significance of this alteration remains unclear.

Labcorp Genetics (formerly Invitae), Labcorp
Classification: Uncertain significance for Neurofibromatosis, type 1. Last evaluated: 2023-07-29. Review status: criteria provided, single submitter. Criteria: Invitae Variant Classification Sherloc (09022015). Collection method: clinical testing. Allele origin: germline.
Comment: This sequence change replaces aspartic acid, which is acidic and polar, with asparagine, which is neutral and polar, at codon 1269 of the NF1 protein (p.Asp1269Asn). This variant is not present in population databases (gnomAD no frequency). This variant has not been reported in the literature in individuals affected with NF1-related conditions. Advanced modeling of protein sequence and biophysical properties (such as structural, functional, and spatial information, amino acid conservation, physicochemical variation, residue mobility, and thermodynamic stability) performed at Invitae indicates that this missense variant is expected to disrupt NF1 protein function. In summary, the available evidence is currently insufficient to determine the role of this variant in disease. Therefore, it has been classified as a Variant of Uncertain Significance.

NM_001042492.3(NF1):c.3805G>A (p.Asp1269Asn)

Gene: NF1 (neurofibromin 1; plus strand). Cytogenetic location: 17q11.2.
Variant type: single nucleotide variant.
Coding change: c.3805G>A on transcript NM_001042492.3 (MANE Select); coding-DNA position 3805, G replaced by A.
Protein change: p.Asp1269Asn; replaces aspartic acid 1269 with asparagine.
Molecular consequence: missense variant.
Genome position (GRCh38, 1-based): chr17:31,235,707, G>A. VCF-style: chr17-31235707-G-A. GRCh37 (hg19) VCF-style: chr17-29562725-G-A.
Other names: c.3805G>A, p.Asp1269Asn (NM_000267.4); short protein forms D1269N.
Identifiers: ClinVar variation 2874277 (VCV002874277.4), dbSNP rs2151437933, ClinGen allele CA398992671.